The following is an entry in ClinVar:

ClinVar aggregate classification (germline): Uncertain significance (1 of 4 stars; one submission).

Allele frequency attached by ClinVar (database versions not stated): TOPMed below 0.00001.
gnomAD v4.1: 20 of 1,614,064 alleles (0.0012%); highest among the groups gnomAD compares: Non-Finnish European, 0.0015%; no homozygotes.

Submission:

Labcorp Genetics (formerly Invitae), Labcorp
Classification: Uncertain significance. Last evaluated: 2024-06-13. Review status: criteria provided, single submitter. Criteria: Invitae Variant Classification Sherloc (09022015). Collection method: clinical testing. Allele origin: germline.
Comment: This sequence change replaces serine, which is neutral and polar, with asparagine, which is neutral and polar, at codon 318 of the GALNT12 protein (p.Ser318Asn). This variant is not present in population databases (gnomAD no frequency). This variant has not been reported in the literature in individuals affected with GALNT12-related conditions. ClinVar contains an entry for this variant (Variation ID: 1019558). Advanced modeling of protein sequence and biophysical properties (such as structural, functional, and spatial information, amino acid conservation, physicochemical variation, residue mobility, and thermodynamic stability) performed at Invitae indicates that this missense variant is not expected to disrupt GALNT12 protein function with a negative predictive value of 80%. In summary, the available evidence is currently insufficient to determine the role of this variant in disease. Therefore, it has been classified as a Variant of Uncertain Significance.

NM_024642.5(GALNT12):c.953G>A (p.Ser318Asn)

Gene: GALNT12 (polypeptide N-acetylgalactosaminyltransferase 12; plus strand). Cytogenetic location: 9q22.33.
Variant type: single nucleotide variant.
Coding change: c.953G>A on transcript NM_024642.5 (MANE Select); coding-DNA position 953, G replaced by A.
Protein change: p.Ser318Asn; replaces serine 318 with asparagine.
Molecular consequence: missense variant.
Genome position (GRCh38, 1-based): chr9:98,835,284, G>A. VCF-style: chr9-98835284-G-A. GRCh37 (hg19) VCF-style: chr9-101597566-G-A.
Other names: short protein forms S318N.
Identifiers: ClinVar variation 1019558 (VCV001019558.8), dbSNP rs1836111273, ClinGen allele CA374219385.